The following is an entry in ClinVar:

NM_015272.5(RPGRIP1L):c.1031T>A (p.Leu344Gln)

Gene: RPGRIP1L (RPGRIP1 like; minus strand). Cytogenetic location: 16q12.2.
Variant type: single nucleotide variant.
Coding change: c.1031T>A on transcript NM_015272.5 (MANE Select); coding-DNA position 1031, T replaced by A.
Protein change: p.Leu344Gln; replaces leucine 344 with glutamine.
Molecular consequence: missense variant.
Genome position (GRCh38, 1-based): chr16:53,671,582, A>T on the plus strand (T>A on the coding strand, the complement: RPGRIP1L is on the minus strand). VCF-style: chr16-53671582-A-T. GRCh37 (hg19) VCF-style: chr16-53705494-A-T.
Other names: c.1031T>A, p.Leu344Gln (NM_001308334.3, NM_001330538.2, NM_001127897.4); short protein forms L344Q.
Identifiers: ClinVar variation 1350635 (VCV001350635.6), dbSNP rs2151236847, ClinGen allele CA395922700.

ClinVar aggregate classification (germline): Uncertain significance (1 of 4 stars; one submission).

Conditions:
Joubert syndrome. Also called: CEREBELLOPARENCHYMAL DISORDER IV; JOUBERT-BOLTSHAUSER SYNDROME; Familial aplasia of the vermis. Identifiers: Orphanet 475, MedGen C5979921, MONDO:0018772.
Meckel-Gruber syndrome. Also called: DYSENCEPHALIA SPLANCHNOCYSTICA; GRUBER SYNDROME; Dysencephalia splachnocystica. Identifiers: Orphanet 564, MedGen C0265215, MONDO:0018921.

Submission:

Labcorp Genetics (formerly Invitae), Labcorp
Classification: Uncertain significance for Joubert syndrome; Meckel-Gruber syndrome. Last evaluated: 2023-07-17. Review status: criteria provided, single submitter. Criteria: Invitae Variant Classification Sherloc (09022015). Collection method: clinical testing. Allele origin: germline.
Comment: In summary, the available evidence is currently insufficient to determine the role of this variant in disease. Therefore, it has been classified as a Variant of Uncertain Significance. Algorithms developed to predict the effect of sequence changes on RNA splicing suggest that this variant may create or strengthen a splice site. An algorithm developed to predict the effect of missense changes on protein structure and function (PolyPhen-2) suggests that this variant is likely to be disruptive. ClinVar contains an entry for this variant (Variation ID: 1350635). This variant has not been reported in the literature in individuals affected with RPGRIP1L-related conditions. This variant is not present in population databases (gnomAD no frequency). This sequence change replaces leucine, which is neutral and non-polar, with glutamine, which is neutral and polar, at codon 344 of the RPGRIP1L protein (p.Leu344Gln).